The following is an entry in ClinVar:

ClinVar aggregate classification (germline): Uncertain significance. Review status: criteria provided, multiple submitters, no conflicts (2 of 4 stars). 2 submissions from 2 submitters: Uncertain significance (2). Last evaluated 2023-12-08.

Conditions:
Inborn genetic diseases. Identifiers: MedGen C0950123, MeSH D030342.

Allele frequency attached by ClinVar (database versions not stated): gnomAD 0.00001; gnomAD exomes 0.00001; TOPMed 0.00001; ExAC 0.00002.
gnomAD v4.1: 23 of 1,612,906 alleles (0.0014%); highest among the groups gnomAD compares: Admixed American, 0.0033%; no homozygotes.

Submissions (2):

Ambry Genetics
Classification: Uncertain significance for Inborn genetic diseases. Last evaluated: 2023-12-08. Review status: criteria provided, single submitter. Criteria: Ambry Variant Classification Scheme 2023. Collection method: clinical testing. Allele origin: germline.

Labcorp Genetics (formerly Invitae), Labcorp
Classification: Uncertain significance. Last evaluated: 2022-11-15. Review status: criteria provided, single submitter. Criteria: Invitae Variant Classification Sherloc (09022015). Collection method: clinical testing. Allele origin: germline.
Comment: This variant has not been reported in the literature in individuals affected with GHRHR-related conditions. In summary, the available evidence is currently insufficient to determine the role of this variant in disease. Therefore, it has been classified as a Variant of Uncertain Significance. Algorithms developed to predict the effect of missense changes on protein structure and function (SIFT, PolyPhen-2, Align-GVGD) all suggest that this variant is likely to be disruptive. ClinVar contains an entry for this variant (Variation ID: 1435882). This variant is present in population databases (rs763314210, gnomAD 0.003%). This sequence change replaces arginine, which is basic and polar, with cysteine, which is neutral and slightly polar, at codon 326 of the GHRHR protein (p.Arg326Cys).

NM_000823.4(GHRHR):c.976C>T (p.Arg326Cys)

Gene: GHRHR (growth hormone releasing hormone receptor; plus strand). Cytogenetic location: 7p14.3.
Variant type: single nucleotide variant.
Coding change: c.976C>T on transcript NM_000823.4 (MANE Select); coding-DNA position 976, C replaced by T.
Protein change: p.Arg326Cys; replaces arginine 326 with cysteine.
Molecular consequence: missense variant.
Genome position (GRCh38, 1-based): chr7:30,976,430, C>T. VCF-style: chr7-30976430-C-T. GRCh37 (hg19) VCF-style: chr7-31016045-C-T.
Other names: c.976C>T (NM_000823.3); short protein forms R326C.
Identifiers: ClinVar variation 1435882 (VCV001435882.6), dbSNP rs763314210, ClinGen allele CA4208754.